The following is an entry in ClinVar:

ClinVar aggregate classification (germline): Conflicting classifications of pathogenicity. Review status: criteria provided, conflicting classifications (1 of 4 stars). 2 submissions from 2 submitters: Uncertain significance (1); Likely benign (1). Last evaluated 2023-01-26.

Conditions:
Inborn genetic diseases. Identifiers: MedGen C0950123, MeSH D030342.

Allele frequency attached by ClinVar (database versions not stated): gnomAD exomes below 0.00001; TOPMed below 0.00001; ExAC 0.00001.
gnomAD v4.1: 7 of 1,614,012 alleles (0.00043%); highest among the groups gnomAD compares: Middle Eastern, 0.016%; no homozygotes.

Submissions (2):

Ambry Genetics
Classification: Uncertain significance for Inborn genetic diseases. Last evaluated: 2023-01-26. Review status: criteria provided, single submitter. Criteria: Ambry Variant Classification Scheme 2023. Collection method: clinical testing. Allele origin: germline.

CeGaT Center for Human Genetics Tuebingen
Classification: Likely benign. Last evaluated: 2022-10-01. Review status: criteria provided, single submitter. Criteria: CeGaT Center For Human Genetics Tuebingen Variant Classification Criteria Version 2. Collection method: clinical testing. Allele origin: germline. Affected: yes. Observed: 1 variant allele.
Comment: CCDC88C: BP4

NM_001080414.4(CCDC88C):c.3271A>G (p.Ser1091Gly)

Gene: CCDC88C (coiled-coil and HOOK domain protein 88C; minus strand). Cytogenetic location: 14q32.11.
Variant type: single nucleotide variant.
Coding change: c.3271A>G on transcript NM_001080414.4 (MANE Select); coding-DNA position 3271, A replaced by G.
Protein change: p.Ser1091Gly; replaces serine 1091 with glycine.
Molecular consequence: missense variant.
Genome position (GRCh38, 1-based): chr14:91,305,851, T>C on the plus strand (A>G on the coding strand, the complement: CCDC88C is on the minus strand). VCF-style: chr14-91305851-T-C. GRCh37 (hg19) VCF-style: chr14-91772195-T-C.
Other names: short protein forms S1091G.
Identifiers: ClinVar variation 2479801 (VCV002479801.26), dbSNP rs754233469, ClinGen allele CA7309401.